The following is an entry in ClinVar:

NM_001388492.1(HTT):c.7924G>A (p.Glu2642Lys)

Gene: HTT (huntingtin; plus strand). Cytogenetic location: 4p16.3.
Variant type: single nucleotide variant.
Coding change: c.7924G>A on transcript NM_001388492.1 (MANE Select); coding-DNA position 7924, G replaced by A.
Protein change: p.Glu2642Lys; replaces glutamic acid 2642 with lysine.
Molecular consequence: missense variant.
Genome position (GRCh38, 1-based): chr4:3,228,690, G>A. VCF-style: chr4-3228690-G-A. GRCh37 (hg19) VCF-style: chr4-3230417-G-A.
Other names: c.7930G>A, p.Glu2644Lys (NM_002111.8); short protein forms E2642K, E2644K.
Identifiers: ClinVar variation 1426306 (VCV001426306.6), dbSNP rs776528909, ClinGen allele CA2825533.
Genomic context (GRCh38, chr4:3,228,690, plus strand): 5'-GTGTGGCTGGGGAACAGCATCACACCCCTGAGGGAGGAGGAATGGGACGAGGAAGAGGAG[G>A]AGGAGGCCGACGCCCCTGCACCTTCGTCACCACCCACGTCTCCAGTCAACTCCAGGTTTT-3'
Protein context (NP_001375421.1, residues 2632-2652): REEEWDEEEE[Glu2642Lys]EADAPAPSSP

ClinVar aggregate classification (germline): Uncertain significance (1 of 4 stars; one submission).

Allele frequency attached by ClinVar (database versions not stated): TOPMed below 0.00001; gnomAD 0.00001; gnomAD exomes 0.00001; ExAC 0.00003.
gnomAD v4.1: 15 of 1,610,756 alleles (0.00093%); highest among the groups gnomAD compares: Non-Finnish European, 0.0013%; no homozygotes.

Submission:

Labcorp Genetics (formerly Invitae), Labcorp
Classification: Uncertain significance. Last evaluated: 2022-07-04. Review status: criteria provided, single submitter. Criteria: Invitae Variant Classification Sherloc (09022015). Collection method: clinical testing. Allele origin: germline.
Comment: ClinVar contains an entry for this variant (Variation ID: 1426306). This variant has not been reported in the literature in individuals affected with HTT-related conditions. This variant is present in population databases (rs776528909, gnomAD 0.003%). This sequence change replaces glutamic acid, which is acidic and polar, with lysine, which is basic and polar, at codon 2644 of the HTT protein (p.Glu2644Lys). Experimental studies and prediction algorithms are not available or were not evaluated, and the functional significance of this variant is currently unknown. In summary, the available evidence is currently insufficient to determine the role of this variant in disease. Therefore, it has been classified as a Variant of Uncertain Significance.